The following is an entry in ClinVar:

ClinVar aggregate classification (germline): Uncertain significance (1 of 4 stars; one submission).

gnomAD v4.1: 2 of 1,562,304 alleles (0.00013%); highest among the groups gnomAD compares: Non-Finnish European, 0.00017%; no homozygotes.

Submission:

Labcorp Genetics (formerly Invitae), Labcorp
Classification: Uncertain significance. Last evaluated: 2022-02-28. Review status: criteria provided, single submitter. Criteria: Invitae Variant Classification Sherloc (09022015). Collection method: clinical testing. Allele origin: germline.
Comment: In summary, the available evidence is currently insufficient to determine the role of this variant in disease. Therefore, it has been classified as a Variant of Uncertain Significance. Variants that disrupt the consensus splice site are a relatively common cause of aberrant splicing (PMID: 17576681, 9536098). Algorithms developed to predict the effect of sequence changes on RNA splicing suggest that this variant is not likely to affect RNA splicing. This variant has not been reported in the literature in individuals affected with SEPT9-related conditions. This variant is not present in population databases (gnomAD no frequency). This sequence change falls in intron 7 of the SEPT9 gene. It does not directly change the encoded amino acid sequence of the SEPT9 protein. It affects a nucleotide within the consensus splice site.

Literature cited by the submitters: PubMed 17576681; PubMed 9536098.

NM_001113491.2(SEPTIN9):c.1380+6G>A

Gene: SEPTIN9 (septin 9; plus strand). Cytogenetic location: 17q25.3.
Variant type: single nucleotide variant.
Coding change: c.1380+6G>A on transcript NM_001113491.2 (MANE Select); 6 bases into the intron after coding-DNA position 1380, G replaced by A.
Molecular consequence: intron variant.
Genome position (GRCh38, 1-based): chr17:77,490,865, G>A. VCF-style: chr17-77490865-G-A. GRCh37 (hg19) VCF-style: chr17-75486947-G-A.
Other names: c.1323+6G>A (NM_001293695.2); c.888+6G>A (NM_001113492.2, NM_001113494.1); c.1326+6G>A (NM_006640.5); c.1359+6G>A (NM_001113493.2); c.708+6G>A (NM_001293696.2); c.627+6G>A (NM_001113496.2, NM_001293697.2, NM_001293698.2 and 1 more transcripts).
Identifiers: ClinVar variation 2445550 (VCV002445550.4), dbSNP rs1313136429, ClinGen allele CA2580095234.